The following is an entry in ClinVar:

ClinVar aggregate classification (germline): Uncertain significance (1 of 4 stars; one submission).

Conditions:
Neuropathy, hereditary sensory, type 1F. Also called: HSN IF; Hereditary sensory neuropathy type IF. Identifiers: Orphanet 36386, MedGen C3810194, MONDO:0014286, OMIM 615632.

Allele frequency attached by ClinVar (database versions not stated): gnomAD exomes 0.00001; TOPMed 0.00001.
gnomAD v4.1: 14 of 1,614,248 alleles (0.00087%); highest among the groups gnomAD compares: Non-Finnish European, 0.0011%; no homozygotes.

Submission:

Labcorp Genetics (formerly Invitae), Labcorp
Classification: Uncertain significance for Neuropathy, hereditary sensory, type 1F. Last evaluated: 2025-12-22. Review status: criteria provided, single submitter. Criteria: Invitae Variant Classification Sherloc (09022015). Collection method: clinical testing. Allele origin: germline.
Comment: This sequence change replaces phenylalanine, which is neutral and non-polar, with isoleucine, which is neutral and non-polar, at codon 438 of the ATL3 protein (p.Phe438Ile). This variant is present in population databases (no rsID available, gnomAD 0.002%). This variant has not been reported in the literature in individuals affected with ATL3-related conditions. ClinVar contains an entry for this variant (Variation ID: 1024318). Invitae Evidence Modeling of protein sequence and biophysical properties (such as structural, functional, and spatial information, amino acid conservation, physicochemical variation, residue mobility, and thermodynamic stability) indicates that this missense variant is expected to disrupt ATL3 protein function with a positive predictive value of 80%. In summary, the available evidence is currently insufficient to determine the role of this variant in disease. Therefore, it has been classified as a Variant of Uncertain Significance.

NM_015459.5(ATL3):c.1312T>A (p.Phe438Ile)

Genes: ATL3 (atlastin GTPase 3; minus strand), LNCROPM (lncRNA regulator of PLAAT3 mediated phospholipid metabolism; plus strand). Cytogenetic location: 11q13.1.
Variant type: single nucleotide variant.
Coding change: c.1312T>A on transcript NM_015459.5 (MANE Select); coding-DNA position 1312, T replaced by A.
Protein change: p.Phe438Ile; replaces phenylalanine 438 with isoleucine.
Molecular consequence: missense variant.
Genome position (GRCh38, 1-based): chr11:63,631,267, A>T on the plus strand (T>A on the coding strand, the complement: ATL3 is on the minus strand). VCF-style: chr11-63631267-A-T. GRCh37 (hg19) VCF-style: chr11-63398739-A-T.
Other names: c.1258T>A, p.Phe420Ile (NM_001290048.2); short protein forms F420I, F438I.
Identifiers: ClinVar variation 1024318 (VCV001024318.8), dbSNP rs964472038, ClinGen allele CA223740855.
Genomic context (GRCh38, chr11:63,631,267, plus strand): 5'-AGGCTATGTACAAAGCTACAATGCCCGTGAACAGCACTGCAGGGGTTCGGAAGGTGCTGA[A>T]GACGTTCTTGCTACCATTGTGCTTGCAGAAGTTCTCATATAATTCCTTGATTTCCTCCTC-3'
Protein context (NP_056274.3, residues 428-448): FCKHNGSKNV[Phe438Ile]STFRTPAVLF